The following is an entry in ClinVar:

NC_000005.9:g.(?_148360713)_(148443737_?)del

Gene: SH3TC2 (SH3 domain and tetratricopeptide repeats 2; minus strand). Cytogenetic location: 5q32.
Variant type: Deletion.
Identifiers: ClinVar variation 1075741 (VCV001075741.6).

ClinVar aggregate classification (germline): Pathogenic (1 of 4 stars; one submission).

Conditions:
Charcot-Marie-Tooth disease type 4. Also called: Charcot-Marie-Tooth, Type 4; Charcot-Marie-Tooth disease, type IV. Identifiers: Orphanet 64749, MedGen C4082197, MONDO:0018995.

Submission:

Labcorp Genetics (formerly Invitae), Labcorp
Classification: Pathogenic for Charcot-Marie-Tooth disease type 4. Last evaluated: 2022-07-05. Review status: criteria provided, single submitter. Criteria: Invitae Variant Classification Sherloc (09022015). Collection method: clinical testing. Allele origin: germline.
Comment: For these reasons, this variant has been classified as Pathogenic. This variant has not been reported in the literature in individuals affected with SH3TC2-related conditions. A gross deletion of the genomic region encompassing the full coding sequence of the SH3TC2 gene has been identified. Loss-of-function variants in SH3TC2 are known to be pathogenic (PMID: 20220177, 27068304). The boundaries of this event are unknown as they extend beyond the assayed region for this gene and therefore may encompass additional genes.

Literature cited by the submitters: PubMed 20220177; PubMed 27068304.